The following is an entry in ClinVar:

NM_002439.5(MSH3):c.2924A>G (p.Asp975Gly)

Gene: MSH3 (mutS homolog 3; plus strand). Cytogenetic location: 5q14.1.
Variant type: single nucleotide variant.
Coding change: c.2924A>G on transcript NM_002439.5 (MANE Select); coding-DNA position 2924, A replaced by G.
Protein change: p.Asp975Gly; replaces aspartic acid 975 with glycine.
Molecular consequence: missense variant.
Genome position (GRCh38, 1-based): chr5:80,854,240, A>G. VCF-style: chr5-80854240-A-G. GRCh37 (hg19) VCF-style: chr5-80150059-A-G.
Other names: c.2924A>G (NM_002439.3); short protein forms D975G.
Identifiers: ClinVar variation 2793629 (VCV002793629.4), dbSNP rs1745879057, ClinGen allele CA360275699.
Genomic context (GRCh38, chr5:80,854,240, plus strand): 5'-AACTGACTGACACAGCAGAAATAATCAGAAAAGCAACATCACAGTCCTTGGTTATCTTGG[A>G]TGAACTAGGAAGAGGGACGAGCACTCATGATGGAATTGCCATTGCCTATGCTACACTTGA-3'
Protein context (NP_002430.3, residues 965-985): KATSQSLVIL[Asp975Gly]ELGRGTSTHD

ClinVar aggregate classification (germline): Uncertain significance. Review status: criteria provided, multiple submitters, no conflicts (2 of 4 stars). 2 submissions from 2 submitters: Uncertain significance (2). Last evaluated 2025-07-09.

Conditions:
Hereditary cancer-predisposing syndrome. Also called: Hereditary Cancer Syndrome; Neoplastic Syndromes, Hereditary; Tumor predisposition; Hereditary neoplastic syndrome. Identifiers: Orphanet 140162, MedGen C0027672, MeSH D009386, MONDO:0015356.

Submissions (2):

Labcorp Genetics (formerly Invitae), Labcorp
Classification: Uncertain significance. Last evaluated: 2025-07-09. Review status: criteria provided, single submitter. Criteria: Invitae Variant Classification Sherloc (09022015). Collection method: clinical testing. Allele origin: germline.
Comment: This sequence change replaces aspartic acid, which is acidic and polar, with glycine, which is neutral and non-polar, at codon 975 of the MSH3 protein (p.Asp975Gly). This variant is not present in population databases (gnomAD no frequency). This variant has not been reported in the literature in individuals affected with MSH3-related conditions. ClinVar contains an entry for this variant (Variation ID: 2793629). An algorithm developed to predict the effect of missense changes on protein structure and function (PolyPhen-2) suggests that this variant is likely to be disruptive. In summary, the available evidence is currently insufficient to determine the role of this variant in disease. Therefore, it has been classified as a Variant of Uncertain Significance.

Ambry Genetics
Classification: Uncertain significance for Hereditary cancer-predisposing syndrome. Last evaluated: 2024-05-04. Review status: criteria provided, single submitter. Criteria: Ambry Variant Classification Scheme 2023. Collection method: clinical testing. Allele origin: germline.
Comment: The p.D975G variant (also known as c.2924A>G), located in coding exon 21 of the MSH3 gene, results from an A to G substitution at nucleotide position 2924. The aspartic acid at codon 975 is replaced by glycine, an amino acid with similar properties. This amino acid position is conserved. In addition, this alteration is predicted to be deleterious by in silico analysis. Based on the available evidence, the clinical significance of this variant remains unclear.